The following is an entry in ClinVar:

NM_130384.3(ATRIP):c.143C>T (p.Pro48Leu)

Genes: ATRIP (ATR interacting protein; plus strand), ATRIP-TREX1 (ATRIP-TREX1 readthrough; plus strand), LOC129936703 (ATAC-STARR-seq lymphoblastoid silent region 14331; plus strand). Cytogenetic location: 3p21.31.
Variant type: single nucleotide variant.
Coding change: c.143C>T on transcript NM_130384.3 (MANE Select); coding-DNA position 143, C replaced by T.
Protein change: p.Pro48Leu; replaces proline 48 with leucine.
Molecular consequence: missense variant. On other transcripts: non-coding transcript variant (1), intron variant (1).
Genome position (GRCh38, 1-based): chr3:48,446,988, C>T. VCF-style: chr3-48446988-C-T. GRCh37 (hg19) VCF-style: chr3-48488392-C-T.
Other names: c.143C>T, p.Pro48Leu (NM_032166.4); c.-218+189C>T (NM_001271022.2); short protein forms P48L.
Identifiers: ClinVar variation 4867240 (VCV004867240.1).

ClinVar aggregate classification (germline): Uncertain significance (1 of 4 stars; one submission).

Submission:

Ambry Genetics
Classification: Uncertain significance. Last evaluated: 2026-05-14. Review status: criteria provided, single submitter. Criteria: Ambry Variant Classification Scheme 2023. Collection method: clinical testing. Allele origin: germline.
Comment: The p.P48L variant (also known as c.143C>T), located in coding exon 1 of the ATRIP gene, results from a C to T substitution at nucleotide position 143. The proline at codon 48 is replaced by leucine, an amino acid with similar properties. This amino acid position is conserved. In addition, the in silico prediction for this alteration is inconclusive. Based on the available evidence, the clinical significance of this variant remains unclear.